The following is an entry in ClinVar:

ClinVar aggregate classification (germline): Uncertain significance. Review status: criteria provided, multiple submitters, no conflicts (2 of 4 stars). 4 submissions from 4 submitters: Uncertain significance (4). Last evaluated 2025-12-18.

Conditions:
Cardiovascular phenotype. Identifiers: MedGen CN230736.

Allele frequency attached by ClinVar (database versions not stated): gnomAD exomes 0.00001; gnomAD 0.00002; TOPMed 0.00002.
gnomAD v4.1: 11 of 1,550,136 alleles (0.00071%); highest among the groups gnomAD compares: Middle Eastern, 0.05%; no homozygotes.

Submissions (4):

Labcorp Genetics (formerly Invitae), Labcorp
Classification: Uncertain significance. Last evaluated: 2025-12-18. Review status: criteria provided, single submitter. Criteria: Invitae Variant Classification Sherloc (09022015). Collection method: clinical testing. Allele origin: germline.
Comment: This sequence change replaces arginine, which is basic and polar, with cysteine, which is neutral and slightly polar, at codon 2454 of the ZNF469 protein (p.Arg2454Cys). This variant is present in population databases (no rsID available, gnomAD 0.007%). This variant has not been reported in the literature in individuals affected with ZNF469-related conditions. ClinVar contains an entry for this variant (Variation ID: 871981). An algorithm developed to predict the effect of missense changes on protein structure and function (PolyPhen-2) suggests that this variant is likely to be disruptive. In summary, the available evidence is currently insufficient to determine the role of this variant in disease. Therefore, it has been classified as a Variant of Uncertain Significance.

Ambry Genetics
Classification: Uncertain significance for Cardiovascular phenotype. Last evaluated: 2020-09-11. Review status: criteria provided, single submitter. Criteria: Ambry Variant Classification Scheme 2023. Collection method: clinical testing. Allele origin: germline.
Comment: The p.R2454C variant (also known as c.7360C>T), located in coding exon 2 of the ZNF469 gene, results from a C to T substitution at nucleotide position 7360. The arginine at codon 2454 is replaced by cysteine, an amino acid with highly dissimilar properties. This amino acid position is well conserved in available vertebrate species. In addition, this alteration is predicted to be tolerated by in silico analysis. Since supporting evidence is limited at this time, the clinical significance of this alteration remains unclear.

CeGaT Center for Human Genetics Tuebingen
Classification: Uncertain significance. Last evaluated: 2019-10-01. Review status: criteria provided, single submitter. Criteria: CeGaT Center For Human Genetics Tuebingen Variant Classification Criteria Version 2. Collection method: clinical testing. Allele origin: germline. Affected: yes. Observed: 1 variant allele.

Breakthrough Genomics
Classification: Uncertain significance. Review status: criteria provided, single submitter. Criteria: ACMG Guidelines, 2015. Collection method: not provided. Allele origin: germline. Inheritance: Autosomal recessive inheritance. Affected: yes.

NM_001367624.2(ZNF469):c.7444C>T (p.Arg2482Cys)

Gene: ZNF469 (zinc finger protein 469; plus strand). Cytogenetic location: 16q24.2.
Variant type: single nucleotide variant.
Coding change: c.7444C>T on transcript NM_001367624.2 (MANE Select); coding-DNA position 7444, C replaced by T.
Protein change: p.Arg2482Cys; replaces arginine 2482 with cysteine.
Molecular consequence: missense variant.
Genome position (GRCh38, 1-based): chr16:88,434,914, C>T. VCF-style: chr16-88434914-C-T. GRCh37 (hg19) VCF-style: chr16-88501322-C-T.
Other names: NM_001127464.1:c.7360C>T; short protein forms R2482C.
Identifiers: ClinVar variation 871981 (VCV000871981.47), dbSNP rs1002940022, ClinGen allele CA286382684.